The following is an entry in ClinVar:

ClinVar aggregate classification (germline): Uncertain significance. Review status: criteria provided, multiple submitters, no conflicts (2 of 4 stars). 2 submissions from 2 submitters: Uncertain significance (2). Last evaluated 2024-06-18.

Conditions:
Alagille syndrome due to a NOTCH2 point mutation. Also called: Alagille syndrome 2. Identifiers: Orphanet 261629, Orphanet 52, MedGen C1857761, MONDO:0012439, OMIM 610205.
Hajdu-Cheney syndrome (HJCYS). Also called: ACROOSTEOLYSIS WITH OSTEOPOROSIS AND CHANGES IN SKULL AND MANDIBLE; SERPENTINE FIBULA-POLYCYSTIC KIDNEY SYNDROME; Acroosteolysis dominant type. Identifiers: Orphanet 955, MedGen C0917715, MONDO:0007057, OMIM 102500.
NOTCH2-related disorder. Also called: NOTCH2-related condition.

Allele frequency attached by ClinVar (database versions not stated): gnomAD exomes below 0.00001; gnomAD 0.00002; TOPMed 0.00003.
gnomAD v4.1: 7 of 1,614,028 alleles (0.00043%); highest among the groups gnomAD compares: African/African-American, 0.0093%; no homozygotes.

Submissions (2):

Fulgent Genetics
Classification: Uncertain significance for Hajdu-Cheney syndrome; Alagille syndrome due to a NOTCH2 point mutation. Last evaluated: 2024-06-18. Review status: criteria provided, single submitter. Criteria: ACMG Guidelines, 2015. Collection method: clinical testing. Allele origin: germline.

PreventionGenetics, part of Exact Sciences
Classification: Uncertain significance for NOTCH2-related condition. Last evaluated: 2023-05-11. Review status: criteria provided, single submitter. Criteria: ACMG Guidelines, 2015. Collection method: clinical testing. Allele origin: germline.
Comment: The NOTCH2 c.3139T>C variant is predicted to result in the amino acid substitution p.Tyr1047His. To our knowledge, this variant has not been reported in the literature or in a large population database, indicating this variant is rare. At this time, the clinical significance of this variant is uncertain due to the absence of conclusive functional and genetic evidence.

NM_024408.4(NOTCH2):c.3139T>C (p.Tyr1047His)

Gene: NOTCH2 (notch receptor 2; minus strand). Cytogenetic location: 1p12.
Variant type: single nucleotide variant.
Coding change: c.3139T>C on transcript NM_024408.4 (MANE Select); coding-DNA position 3139, T replaced by C.
Protein change: p.Tyr1047His; replaces tyrosine 1047 with histidine.
Molecular consequence: missense variant.
Genome position (GRCh38, 1-based): chr1:119,940,599, A>G on the plus strand (T>C on the coding strand, the complement: NOTCH2 is on the minus strand). VCF-style: chr1-119940599-A-G. GRCh37 (hg19) VCF-style: chr1-120483222-A-G.
Other names: c.3139T>C, p.Tyr1047His (NM_001200001.2); short protein forms Y1047H.
Identifiers: ClinVar variation 2628572 (VCV002628572.2), dbSNP rs1191837312, ClinGen allele CA341854068.